The following is an entry in ClinVar:

NM_000207.3(INS):c.-18+21C>T

Genes: INS (insulin; minus strand), INS-IGF2 (INS-IGF2 readthrough; minus strand). Cytogenetic location: 11p15.5.
Variant type: single nucleotide variant.
Coding change: c.-18+21C>T on transcript NM_000207.3 (MANE Select); 21 bases into the intron after 18 bases upstream of the start codon, C replaced by T.
Molecular consequence: intron variant. On other transcripts: 5 prime UTR variant (3).
Genome position (GRCh38, 1-based): chr11:2,161,147, G>A on the plus strand (C>T on the coding strand, the complement: INS is on the minus strand). VCF-style: chr11-2161147-G-A. GRCh37 (hg19) VCF-style: chr11-2182377-G-A.
Other names: c.-23C>T (NM_001185097.2); c.-176C>T (NM_001185098.2); c.-57C>T (NM_001291897.2); c.-18+21C>T (NM_001042376.3).
Identifiers: ClinVar variation 435507 (VCV000435507.7), dbSNP rs568856178, ClinGen allele CA216276825.

ClinVar aggregate classification (germline): Benign/Likely benign. Review status: criteria provided, multiple submitters, no conflicts (2 of 4 stars). 2 submissions from 2 submitters: Benign (1); Likely benign (1). Last evaluated 2017-04-04.

Conditions:
Neonatal insulin-dependent diabetes mellitus. Identifiers: MedGen C3278636, HP:0000857.

Allele frequency attached by ClinVar (database versions not stated): TOPMed 0.00005; 1000 Genomes Project 30x 0.00047; 1000 Genomes Project 0.00060.

Submissions (2):

Genetic Services Laboratory, University of Chicago
Classification: Likely benign. Last evaluated: 2017-04-04. Review status: criteria provided, single submitter. Criteria: ACMG Guidelines, 2015. Collection method: clinical testing. Allele origin: germline. Affected: no.

Clinical Genomics, Uppaluri K&H Personalized Medicine Clinic
Classification: Benign for Neonatal insulin-dependent diabetes mellitus. Review status: criteria provided, single submitter. Criteria: K & H Uppaluri Personalized Medicine Clinic Variant Classification & Assertion Criteria_Updated V.1. Collection method: research. Allele origin: unknown.
Comment: Mutations in INS gene can cause early onset diabetes mellitus which is insulin dependent. May have poor response to sulfonylureas, as this mutation can cause beta cell destruction. However no sufficient evidence is found to ascertain the role of this particular variant rs568856178, yet.

Literature cited by the submitters: PubMed 11921414 (cited by Clinical Genomics, Uppaluri K&H Personalized Medicine Clinic); PubMed 25542748 (cited by Clinical Genomics, Uppaluri K&H Personalized Medicine Clinic); PubMed 26101329 (cited by Clinical Genomics, Uppaluri K&H Personalized Medicine Clinic); PubMed 18171712 (cited by Clinical Genomics, Uppaluri K&H Personalized Medicine Clinic).